The following is an entry in ClinVar:

ClinVar aggregate classification (germline): Uncertain significance (1 of 4 stars; one submission).

Submission:

GeneDx
Classification: Uncertain significance. Last evaluated: 2021-04-21. Review status: criteria provided, single submitter. Criteria: GeneDx Variant Classification Process June 2021. Collection method: clinical testing. Allele origin: germline. Affected: yes.
Comment: Not observed in large population cohorts (Lek et al., 2016); Has not been previously published as pathogenic or benign to our knowledge; In-silico analysis, which includes splice predictors and evolutionary conservation, is inconclusive as to whether the variant alters gene splicing. In the absence of RNA/functional studies, the actual effect of this sequence change is unknown.

NM_001348323.3(TRIP12):c.3482+6G>C

Gene: TRIP12 (thyroid hormone receptor interactor 12; minus strand). Cytogenetic location: 2q36.3.
Variant type: single nucleotide variant.
Coding change: c.3482+6G>C on transcript NM_001348323.3 (MANE Select); 6 bases into the intron after coding-DNA position 3482, G replaced by C.
Molecular consequence: intron variant.
Genome position (GRCh38, 1-based): chr2:229,798,869, C>G on the plus strand (G>C on the coding strand, the complement: TRIP12 is on the minus strand). VCF-style: chr2-229798869-C-G. GRCh37 (hg19) VCF-style: chr2-230663585-C-G.
Other names: c.3482+6G>C (NM_001348324.2, NM_001348326.2, NM_001348320.2 and 4 more transcripts); c.3485+6G>C (NM_001348329.2, NM_001348330.2, NM_001348321.1 and 1 more transcripts); c.3356+6G>C (NM_001348318.2, NM_001348317.1, NM_001284215.2 and 1 more transcripts); c.3401+6G>C (NM_001348315.2, NM_001284214.2); c.2447+6G>C (NM_001284216.2); c.3257+6G>C (NM_004238.3); c.3275+6G>C (NM_001348331.1); c.3395+6G>C (NM_001348332.1); and 1 more.
Identifiers: ClinVar variation 1314802 (VCV001314802.2), dbSNP rs2154266250, ClinGen allele CA2573051888.